The following is an entry in ClinVar:

ClinVar aggregate classification (germline): Uncertain significance (1 of 4 stars; one submission).

Submission:

Labcorp Genetics (formerly Invitae), Labcorp
Classification: Uncertain significance. Last evaluated: 2022-10-17. Review status: criteria provided, single submitter. Criteria: Invitae Variant Classification Sherloc (09022015). Collection method: clinical testing. Allele origin: germline.
Comment: This sequence change falls in intron 13 of the EIF2AK3 gene. It does not directly change the encoded amino acid sequence of the EIF2AK3 protein. It affects a nucleotide within the consensus splice site. In summary, the available evidence is currently insufficient to determine the role of this variant in disease. Therefore, it has been classified as a Variant of Uncertain Significance. Variants that disrupt the consensus splice site are a relatively common cause of aberrant splicing (PMID: 17576681, 9536098). Algorithms developed to predict the effect of sequence changes on RNA splicing suggest that this variant may disrupt the consensus splice site. This variant has not been reported in the literature in individuals affected with EIF2AK3-related conditions. This variant is not present in population databases (gnomAD no frequency).

Literature cited by the submitters: PubMed 17576681; PubMed 9536098.

NM_004836.7(EIF2AK3):c.2817+5G>A

Genes: EIF2AK3 (eukaryotic translation initiation factor 2 alpha kinase 3; minus strand), EIF2AK3-AS1 (EIF2AK3 antisense RNA 1; plus strand). Cytogenetic location: 2p11.2.
Variant type: single nucleotide variant.
Coding change: c.2817+5G>A on transcript NM_004836.7 (MANE Select); 5 bases into the intron after coding-DNA position 2817, G replaced by A.
Molecular consequence: intron variant. On other transcripts: non-coding transcript variant (1).
Genome position (GRCh38, 1-based): chr2:88,574,661, C>T on the plus strand (G>A on the coding strand, the complement: EIF2AK3 is on the minus strand). VCF-style: chr2-88574661-C-T. GRCh37 (hg19) VCF-style: chr2-88874179-C-T.
Other names: c.2364+5G>A (NM_001313915.2).
Identifiers: ClinVar variation 1912669 (VCV001912669.3), dbSNP rs1197028459, ClinGen allele CA427173089.